The following is an entry in ClinVar:

ClinVar aggregate classification (germline): Uncertain significance (1 of 4 stars; one submission).

Allele frequency attached by ClinVar (database versions not stated): gnomAD exomes below 0.00001.
gnomAD v4.1: 2 of 1,613,440 alleles (0.00012%); highest among the groups gnomAD compares: Admixed American, 0.0017%; no homozygotes.

Submission:

Labcorp Genetics (formerly Invitae), Labcorp
Classification: Uncertain significance. Last evaluated: 2022-09-13. Review status: criteria provided, single submitter. Criteria: Invitae Variant Classification Sherloc (09022015). Collection method: clinical testing. Allele origin: germline.
Comment: In summary, the available evidence is currently insufficient to determine the role of this variant in disease. Therefore, it has been classified as a Variant of Uncertain Significance. This sequence change replaces alanine, which is neutral and non-polar, with threonine, which is neutral and polar, at codon 739 of the MPDZ protein (p.Ala739Thr). This variant is not present in population databases (gnomAD no frequency). This variant has not been reported in the literature in individuals affected with MPDZ-related conditions. ClinVar contains an entry for this variant (Variation ID: 1470157). Algorithms developed to predict the effect of missense changes on protein structure and function (SIFT, PolyPhen-2, Align-GVGD) all suggest that this variant is likely to be disruptive.

NM_001378778.1(MPDZ):c.2215G>A (p.Ala739Thr)

Gene: MPDZ (multiple PDZ domain crumbs cell polarity complex component; minus strand). Cytogenetic location: 9p23.
Variant type: single nucleotide variant.
Coding change: c.2215G>A on transcript NM_001378778.1 (MANE Select); coding-DNA position 2215, G replaced by A.
Protein change: p.Ala739Thr; replaces alanine 739 with threonine.
Molecular consequence: missense variant.
Genome position (GRCh38, 1-based): chr9:13,188,933, C>T on the plus strand (G>A on the coding strand, the complement: MPDZ is on the minus strand). VCF-style: chr9-13188933-C-T. GRCh37 (hg19) VCF-style: chr9-13188932-C-T.
Other names: c.2215G>A, p.Ala739Thr (NM_001261406.2, NM_001261407.2, NM_001330637.2 and 14 more transcripts); short protein forms A739T.
Identifiers: ClinVar variation 1470157 (VCV001470157.6), dbSNP rs2134856498, ClinGen allele CA372937727.
Genomic context (GRCh38, chr9:13,188,933, plus strand): 5'-AGTTAACATCGTTTACAAACATGAGTCGGTCACCAGGAAGAAGTCGTCCATCCTTTTCAG[C>T]AATGCCGCCAGGCACCAAAGAACGAATTATAATCACAGTGCTTGCTGGATCAATTGGATC-3'
Protein context (NP_001365707.1, residues 729-749): IIRSLVPGGI[Ala739Thr]EKDGRLLPGD